The following is an entry in ClinVar:

NM_001199107.2(TBC1D24):c.404del (p.Pro135fs)

Gene: TBC1D24 (TBC1 domain family member 24; plus strand). Cytogenetic location: 16p13.3.
Variant type: Deletion.
Coding change: c.404del on transcript NM_001199107.2 (MANE Select); coding-DNA position 404, one base deleted (C; older notation c.404delC).
Protein change: p.Pro135fs; shifts the reading frame from proline 135.
Molecular consequence: frameshift variant.
Genome position (GRCh38, 1-based): chr16:2,496,552, C deleted; the last of 2 consecutive C bases (chr16:2,496,551-2,496,552); deleting either gives the same sequence. VCF-style (leftmost placement, unchanged base first): chr16-2496550-GC-G. GRCh37 (hg19) VCF-style: chr16-2546551-GC-G.
Other names: c.404del, p.Pro135fs (NM_020705.3); short protein forms P135fs.
Identifiers: ClinVar variation 1737351 (VCV001737351.2), dbSNP rs2505513738, ClinGen allele CA2580091033.

ClinVar aggregate classification (germline): Pathogenic (1 of 4 stars; one submission).

Conditions:
Inborn genetic diseases. Identifiers: MedGen C0950123, MeSH D030342.

Submission:

Ambry Genetics
Classification: Pathogenic for Inborn genetic diseases. Last evaluated: 2020-07-01. Review status: criteria provided, single submitter. Criteria: Ambry Variant Classification Scheme 2023. Collection method: clinical testing. Allele origin: germline.
Comment: The c.404delC variant, located in coding exon 1 of the TBC1D24 gene, results from a deletion of one nucleotide at nucleotide position 404, causing a translational frameshift with a predicted alternate stop codon (p.P135Rfs*34). This alteration is expected to result in loss of function by premature protein truncation or nonsense-mediated mRNA decay. As such, this alteration is interpreted as a disease-causing mutation.